The following is an entry in ClinVar:

NM_001127222.2(CACNA1A):c.5125G>A (p.Gly1709Arg)

Gene: CACNA1A (calcium voltage-gated channel subunit alpha1 A; minus strand). Cytogenetic location: 19p13.13.
Variant type: single nucleotide variant.
Coding change: c.5125G>A on transcript NM_001127222.2 (MANE Select); coding-DNA position 5125, G replaced by A.
Protein change: p.Gly1709Arg; replaces glycine 1709 with arginine.
Molecular consequence: missense variant.
Genome position (GRCh38, 1-based): chr19:13,235,217, C>T on the plus strand (G>A on the coding strand, the complement: CACNA1A is on the minus strand). VCF-style: chr19-13235217-C-T. GRCh37 (hg19) VCF-style: chr19-13346031-C-T.
Other names: c.5143G>A, p.Gly1715Arg (NM_000068.4, NM_023035.3); c.5128G>A, p.Gly1710Arg (NM_001127221.2); c.5134G>A, p.Gly1712Arg (NM_001174080.2); short protein forms G1710R, G1715R, G1712R, G1709R.
Identifiers: ClinVar variation 446929 (VCV000446929.3), dbSNP rs1555738200, ClinGen allele CA404335816.

ClinVar aggregate classification (germline): Likely pathogenic (1 of 4 stars; one submission).

Submission:

Athena Diagnostics
Classification: Likely pathogenic. Last evaluated: 2022-10-18. Review status: criteria provided, single submitter. Criteria: Athena Diagnostics Criteria. Collection method: clinical testing. Allele origin: unknown.
Comment: This variant appears to segregate with episodic ataxia in a family tested at Athena Diagnostics, however, the available information does not rule out segregation due to chance. This variant has not been reported in large, multi-ethnic general populations. Computational tools predict that this variant is damaging.